The following is an entry in ClinVar:

NM_000089.4(COL1A2):c.245A>G (p.Asp82Gly)

Gene: COL1A2 (collagen type I alpha 2 chain; plus strand). Cytogenetic location: 7q21.3.
Variant type: single nucleotide variant.
Coding change: c.245A>G on transcript NM_000089.4 (MANE Select); coding-DNA position 245, A replaced by G.
Protein change: p.Asp82Gly; replaces aspartic acid 82 with glycine.
Molecular consequence: missense variant.
Genome position (GRCh38, 1-based): chr7:94,401,586, A>G. VCF-style: chr7-94401586-A-G. GRCh37 (hg19) VCF-style: chr7-94030898-A-G.
Other names: short protein forms D82G.
Identifiers: ClinVar variation 2950429 (VCV002950429.3), dbSNP rs1791690185, ClinGen allele CA368219339.

ClinVar aggregate classification (germline): Uncertain significance (1 of 4 stars; one submission).

Conditions:
Osteogenesis imperfecta type I (OI1). Also called: Lobstein disease; OI, TYPE I; OSTEOGENESIS IMPERFECTA TARDA; OSTEOGENESIS IMPERFECTA WITH BLUE SCLERAE; Osteogenesis imperfecta type 1; Lobstein's Disease. Identifiers: Orphanet 216796, Orphanet 666, MedGen C0023931, MONDO:0008146, OMIM 166200. Disease mechanism: loss of function.
Ehlers-Danlos syndrome, classic type, 1 (EDSCL1). Also called: EDS I; EHLERS-DANLOS SYNDROME, GRAVIS TYPE; EHLERS-DANLOS SYNDROME, SEVERE CLASSIC TYPE; Ehlers-Danlos syndrome, type 1; Ehlers-Danlos Syndrome, Classic Type, COL5A1-Related. Identifiers: MedGen C0268335, MONDO:0019567, OMIM 130000.

Submission:

Labcorp Genetics (formerly Invitae), Labcorp
Classification: Uncertain significance for Osteogenesis imperfecta type I; Ehlers-Danlos syndrome, classic type, 1. Last evaluated: 2025-12-23. Review status: criteria provided, single submitter. Criteria: Invitae Variant Classification Sherloc (09022015). Collection method: clinical testing. Allele origin: germline.
Comment: This sequence change replaces aspartic acid, which is acidic and polar, with glycine, which is neutral and non-polar, at codon 82 of the COL1A2 protein (p.Asp82Gly). This variant is not present in population databases (gnomAD no frequency). This variant has not been reported in the literature in individuals affected with COL1A2-related conditions. ClinVar contains an entry for this variant (Variation ID: 2950429). Invitae Evidence Modeling of protein sequence and biophysical properties (such as structural, functional, and spatial information, amino acid conservation, physicochemical variation, residue mobility, and thermodynamic stability) indicates that this missense variant is not expected to disrupt COL1A2 protein function with a negative predictive value of 80%. In summary, the available evidence is currently insufficient to determine the role of this variant in disease. Therefore, it has been classified as a Variant of Uncertain Significance.